The following is an entry in ClinVar:

NM_001267550.2(TTN):c.72595G>T (p.Ala24199Ser)

Genes: TTN (titin; minus strand), TTN-AS1 (TTN antisense RNA 1; plus strand). Cytogenetic location: 2q31.2.
Variant type: single nucleotide variant.
Coding change: c.72595G>T on transcript NM_001267550.2 (MANE Select); coding-DNA position 72595, G replaced by T.
Protein change: p.Ala24199Ser; replaces alanine 24199 with serine.
Molecular consequence: missense variant.
Genome position (GRCh38, 1-based): chr2:178,573,537, C>A on the plus strand (G>T on the coding strand, the complement: TTN is on the minus strand). VCF-style: chr2-178573537-C-A. GRCh37 (hg19) VCF-style: chr2-179438264-C-A.
Other names: c.67672G>T, p.Ala22558Ser (NM_001256850.1); c.45400G>T, p.Ala15134Ser (NM_003319.4); c.64891G>T, p.Ala21631Ser (NM_133378.4); c.45775G>T, p.Ala15259Ser (NM_133432.3); c.45976G>T, p.Ala15326Ser (NM_133437.4); short protein forms A15134S, A15259S, A15326S, A21631S, A22558S, A24199S.
Identifiers: ClinVar variation 3375352 (VCV003375352.1).

ClinVar aggregate classification (germline): Uncertain significance (1 of 4 stars; one submission).

Submission:

Women's Health and Genetics/Laboratory Corporation of America, LabCorp
Classification: Uncertain significance. Last evaluated: 2024-09-20. Review status: criteria provided, single submitter. Criteria: LabCorp Variant Classification Summary - May 2015. Collection method: clinical testing. Allele origin: germline.
Comment: Variant summary: TTN c.64891G>T (p.Ala21631Ser) results in a conservative amino acid change located in the I-band region of the encoded protein sequence. Three of four in-silico tools predict a damaging effect of the variant on protein function. The variant was absent in 167016 control chromosomes. The available data on variant occurrences in the general population are insufficient to allow any conclusion about variant significance. To our knowledge, no occurrence of c.64891G>T in individuals affected with Limb-Girdle Muscular Dystrophy, Type 2J and no experimental evidence demonstrating its impact on protein function have been reported. No submitters have cited clinical-significance assessments for this variant to ClinVar. Based on the evidence outlined above, the variant was classified as uncertain significance.